The following is an entry in ClinVar:

ClinVar aggregate classification (germline): Uncertain significance. Review status: criteria provided, multiple submitters, no conflicts (2 of 4 stars). 2 submissions from 2 submitters: Uncertain significance (2). Last evaluated 2025-06-03.

Conditions:
Nemaline myopathy 2 (NEM2). Also called: Nemaline myopathy 2, autosomal recessive. Identifiers: MedGen C1850569, MONDO:0009725, OMIM 256030.

Allele frequency attached by ClinVar (database versions not stated): gnomAD exomes below 0.00001; TOPMed below 0.00001; ExAC 0.00001; gnomAD 0.00001.
gnomAD v4.1: 7 of 1,613,596 alleles (0.00043%); highest among the groups gnomAD compares: Non-Finnish European, 0.00051%; no homozygotes.

Submissions (2):

Labcorp Genetics (formerly Invitae), Labcorp
Classification: Uncertain significance for Nemaline myopathy 2. Last evaluated: 2025-06-03. Review status: criteria provided, single submitter. Criteria: Invitae Variant Classification Sherloc (09022015). Collection method: clinical testing. Allele origin: germline.
Comment: This sequence change replaces proline, which is neutral and non-polar, with leucine, which is neutral and non-polar, at codon 5930 of the NEB protein (p.Pro5930Leu). This variant is present in population databases (rs760891450, gnomAD 0.002%). This variant has not been reported in the literature in individuals affected with NEB-related conditions. ClinVar contains an entry for this variant (Variation ID: 2199447). Experimental studies and prediction algorithms are not available or were not evaluated, and the functional significance of this variant is currently unknown. In summary, the available evidence is currently insufficient to determine the role of this variant in disease. Therefore, it has been classified as a Variant of Uncertain Significance.

Revvity Omics, Revvity
Classification: Uncertain significance. Last evaluated: 2019-07-03. Review status: criteria provided, single submitter. Criteria: ACMG Guidelines, 2015. Collection method: clinical testing. Allele origin: germline.

NM_001164508.2(NEB):c.17789C>T (p.Pro5930Leu)

Gene: NEB (nebulin; minus strand). Cytogenetic location: 2q23.3.
Variant type: single nucleotide variant.
Coding change: c.17789C>T on transcript NM_001164508.2 (MANE Select); coding-DNA position 17789, C replaced by T.
Protein change: p.Pro5930Leu; replaces proline 5930 with leucine.
Molecular consequence: missense variant.
Genome position (GRCh38, 1-based): chr2:151,568,126, G>A on the plus strand (C>T on the coding strand, the complement: NEB is on the minus strand). VCF-style: chr2-151568126-G-A. GRCh37 (hg19) VCF-style: chr2-152424640-G-A.
Other names: c.17789C>T, p.Pro5930Leu (NM_001164507.2, NM_001271208.2); c.12686C>T, p.Pro4229Leu (NM_004543.5); short protein forms P5930L, P4229L.
Identifiers: ClinVar variation 2199447 (VCV002199447.5), dbSNP rs760891450, ClinGen allele CA1908100.